The following is an entry in ClinVar:

ClinVar aggregate classification (germline): Uncertain significance (1 of 4 stars; one submission).

Conditions:
Baraitser-Winter syndrome 1 (BRWS1). Also called: MENTAL RETARDATION WITH EPILEPSY AND CHARACTERISTIC FACIES; BARAITSER-WINTER SYNDROME 1, ATYPICAL; Cerebrofrontofacial syndrome; PACHYGYRIA, MENTAL RETARDATION, EPILEPSY, AND CHARACTERISTIC FACIES. Identifiers: Orphanet 2649, Orphanet 2995, MedGen C1855722, MONDO:0009470, OMIM 243310.

Submission:

Labcorp Genetics (formerly Invitae), Labcorp
Classification: Uncertain significance for Baraitser-Winter syndrome 1. Last evaluated: 2023-10-29. Review status: criteria provided, single submitter. Criteria: Invitae Variant Classification Sherloc (09022015). Collection method: clinical testing. Allele origin: unknown.
Comment: A gross deletion of the genomic region encompassing the full coding sequence of the ACTB gene has been identified. The current clinical and genetic evidence is not sufficient to establish whether loss-of-function variants in ACTB cause disease. The boundaries of this event are unknown as they extend beyond the assayed region for this gene and therefore may encompass additional genes. Isolated whole-gene deletions of ACTB have not been reported in the literature. However, larger copy number events that include this gene have been reported (PMID: 27633570, 28128450, 31898838). In summary, the available evidence is currently insufficient to determine the role of this variant in disease. Therefore, it has been classified as a Variant of Uncertain Significance.

Literature cited by the submitters: PubMed 27633570; PubMed 28128450; PubMed 31898838.

NC_000007.13:g.(?_4815347)_(5792630_?)del

Genes: RADIL (Rap associating with DIL domain; minus strand), AP5Z1 (adaptor related protein complex 5 subunit zeta 1; plus strand), SLC29A4 (solute carrier family 29 member 4; plus strand), FSCN1 (fascin actin-bundling protein 1; plus strand), RBAK (RB associated KRAB zinc finger; plus strand) and 8 more. Cytogenetic location: 7p22.1.
Variant type: Deletion.
Identifiers: ClinVar variation 3245749 (VCV003245749.1).